The following is an entry in ClinVar:

ClinVar aggregate classification (germline): Uncertain significance (1 of 4 stars; one submission).

Allele frequency attached by ClinVar (database versions not stated): gnomAD exomes below 0.00001; ExAC 0.00001; TOPMed 0.00001.
gnomAD v4.1: 5 of 1,614,228 alleles (0.00031%); highest among the groups gnomAD compares: Admixed American, 0.0017%; no homozygotes.

Submission:

Labcorp Genetics (formerly Invitae), Labcorp
Classification: Uncertain significance. Last evaluated: 2022-06-10. Review status: criteria provided, single submitter. Criteria: Invitae Variant Classification Sherloc (09022015). Collection method: clinical testing. Allele origin: germline.
Comment: This sequence change replaces asparagine, which is neutral and polar, with serine, which is neutral and polar, at codon 124 of the NDUFA10 protein (p.Asn124Ser). This variant is present in population databases (rs750400710, gnomAD 0.006%). In summary, the available evidence is currently insufficient to determine the role of this variant in disease. Therefore, it has been classified as a Variant of Uncertain Significance. Algorithms developed to predict the effect of missense changes on protein structure and function output the following: SIFT: "Tolerated"; PolyPhen-2: "Benign"; Align-GVGD: "Class C0". The serine amino acid residue is found in multiple mammalian species, which suggests that this missense change does not adversely affect protein function. This variant has not been reported in the literature in individuals affected with NDUFA10-related conditions.

NM_004544.4(NDUFA10):c.371A>G (p.Asn124Ser)

Gene: NDUFA10 (NADH:ubiquinone oxidoreductase subunit A10; minus strand). Cytogenetic location: 2q37.3.
Variant type: single nucleotide variant.
Coding change: c.371A>G on transcript NM_004544.4 (MANE Select); coding-DNA position 371, A replaced by G.
Protein change: p.Asn124Ser; replaces asparagine 124 with serine.
Molecular consequence: missense variant. On other transcripts: non-coding transcript variant (4).
Genome position (GRCh38, 1-based): chr2:240,021,286, T>C on the plus strand (A>G on the coding strand, the complement: NDUFA10 is on the minus strand). VCF-style: chr2-240021286-T-C. GRCh37 (hg19) VCF-style: chr2-240960703-T-C.
Other names: c.371A>G, p.Asn124Ser (NM_001322019.2, NM_001322020.2, NM_001410987.1); short protein forms N124S.
Identifiers: ClinVar variation 1899003 (VCV001899003.4), dbSNP rs750400710, ClinGen allele CA2201074.